The following is an entry in ClinVar:

ClinVar aggregate classification (germline): Uncertain significance (1 of 4 stars; one submission).

Conditions:
Curry-Hall syndrome (WAD). Also called: WEYERS ACRODENTAL DYSOSTOSIS. Identifiers: Orphanet 952, MedGen C0457013, MONDO:0008673, OMIM 193530.
Ellis-van Creveld syndrome (EVC). Also called: EVC-Related Ellis-van Creveld Syndrome; EVC2-Related Ellis-van Creveld Syndrome; MESOECTODERMAL DYSPLASIA; Chondroectodermal dysplasia. Identifiers: Orphanet 289, MedGen C0013903, MONDO:0009162, OMIM 225500.

Allele frequency attached by ClinVar (database versions not stated): gnomAD 0.00001; gnomAD exomes 0.00001; TOPMed 0.00001; ESP Exome Variant Server 0.00008.
gnomAD v4.1: 7 of 1,613,526 alleles (0.00043%); highest among the groups gnomAD compares: Admixed American, 0.0017%; no homozygotes.

Submission:

Labcorp Genetics (formerly Invitae), Labcorp
Classification: Uncertain significance for Curry-Hall syndrome; Ellis-van Creveld syndrome. Last evaluated: 2023-12-31. Review status: criteria provided, single submitter. Criteria: Invitae Variant Classification Sherloc (09022015). Collection method: clinical testing. Allele origin: germline.
Comment: This sequence change falls in intron 21 of the EVC2 gene. It does not directly change the encoded amino acid sequence of the EVC2 protein. It affects a nucleotide within the consensus splice site. This variant is present in population databases (rs376964499, gnomAD 0.003%). This variant has not been reported in the literature in individuals affected with EVC2-related conditions. Variants that disrupt the consensus splice site are a relatively common cause of aberrant splicing (PMID: 17576681, 9536098). Algorithms developed to predict the effect of sequence changes on RNA splicing suggest that this variant may disrupt the consensus splice site. In summary, the available evidence is currently insufficient to determine the role of this variant in disease. Therefore, it has been classified as a Variant of Uncertain Significance.

Literature cited by the submitters: PubMed 17576681; PubMed 9536098.

NM_147127.5(EVC2):c.3659+3A>G

Gene: EVC2 (EvC ciliary complex subunit 2; minus strand). Cytogenetic location: 4p16.2.
Variant type: single nucleotide variant.
Coding change: c.3659+3A>G on transcript NM_147127.5 (MANE Select); 3 bases into the intron after coding-DNA position 3659, A replaced by G.
Molecular consequence: intron variant.
Genome position (GRCh38, 1-based): chr4:5,565,255, T>C on the plus strand (A>G on the coding strand, the complement: EVC2 is on the minus strand). VCF-style: chr4-5565255-T-C. GRCh37 (hg19) VCF-style: chr4-5566982-T-C.
Other names: c.3419+3A>G (NM_001166136.2).
Identifiers: ClinVar variation 2927452 (VCV002927452.3), dbSNP rs376964499, ClinGen allele CA91688657.